The following is an entry in ClinVar:

NM_024577.4(SH3TC2):c.*2987C>T

Gene: SH3TC2 (SH3 domain and tetratricopeptide repeats 2; minus strand). Cytogenetic location: 5q32.
Variant type: single nucleotide variant.
Coding change: c.*2987C>T on transcript NM_024577.4 (MANE Select); 2987 bases downstream of the stop codon, C replaced by T.
Molecular consequence: 3 prime UTR variant.
Genome position (GRCh38, 1-based): chr5:149,001,724, G>A on the plus strand (C>T on the coding strand, the complement: SH3TC2 is on the minus strand). VCF-style: chr5-149001724-G-A. GRCh37 (hg19) VCF-style: chr5-148381287-G-A.
Identifiers: ClinVar variation 351846 (VCV000351846.5), dbSNP rs565331463, ClinGen allele CA10619572.

ClinVar aggregate classification (germline): Likely benign. Review status: criteria provided, single submitter (1 of 4 stars). 2 submissions from 1 submitter: Likely benign (2). Last evaluated 2018-01-13.

Conditions:
Susceptibility to mononeuropathy of the median nerve, mild. Also called: CARPAL TUNNEL SYNDROME, SUSCEPTIBILITY TO. Identifiers: MedGen C3150596, MONDO:0013237, OMIM 613353.
Charcot-Marie-Tooth disease type 4C (CMT4C). Also called: CHARCOT-MARIE-TOOTH DISEASE, DEMYELINATING, AUTOSOMAL RECESSIVE, TYPE 4C; CMT 4C; Charcot-Marie-Tooth Neuropathy Type 4C (CMT4C); CHARCOT-MARIE-TOOTH DISEASE, DEMYELINATING, TYPE 4C; SH3TC2-Related Hereditary Motor and Sensory Neuropathy. Identifiers: Orphanet 99949, MedGen C1866636, MONDO:0011113, OMIM 601596.

Allele frequency attached by ClinVar (database versions not stated): gnomAD 0.00101 and 0.00106; TOPMed 0.00120; 1000 Genomes Project 30x 0.00141; 1000 Genomes Project 0.00180.
gnomAD v4.1: 152 of 152,262 alleles (0.1%); highest among the groups gnomAD compares: African/African-American, 0.35%; 1 homozygote.

Submissions (2):

Illumina Laboratory Services, Illumina
Classification: Likely benign for Charcot-Marie-Tooth disease type 4C. Last evaluated: 2018-01-13. Review status: criteria provided, single submitter. Criteria: ICSL Variant Classification Criteria 13 December 2019. Collection method: clinical testing. Allele origin: germline.
Comment: This variant was observed in the ICSL laboratory as part of a predisposition screen in an ostensibly healthy population. It had not been previously curated by ICSL or reported in the Human Gene Mutation Database (HGMD: prior to June 1st, 2018), and was therefore a candidate for classification through an automated scoring system. Utilizing variant allele frequency, disease prevalence and penetrance estimates, and inheritance mode, an automated score was calculated to assess if this variant is too frequent to cause the disease. Based on the score and internal cut-off values, a variant classified as likely benign is not then subjected to further curation. The score for this variant resulted in a classification of likely benign for this disease.

Illumina Laboratory Services, Illumina
Classification: Likely benign for Susceptibility to mononeuropathy of the median nerve, mild. Last evaluated: 2018-01-13. Review status: criteria provided, single submitter. Criteria: ICSL Variant Classification Criteria 13 December 2019. Collection method: clinical testing. Allele origin: germline.
Comment: the same text as in the submission from Illumina Laboratory Services, Illumina above.